The following is an entry in ClinVar:

NM_001267727.2(ARSG):c.1261C>T (p.Gln421Ter)

Gene: ARSG (arylsulfatase G; plus strand). Cytogenetic location: 17q24.2.
Variant type: single nucleotide variant.
Coding change: c.1261C>T on transcript NM_001267727.2 (MANE Select); coding-DNA position 1261, C replaced by T.
Protein change: p.Gln421Ter; replaces glutamine 421 with a stop codon.
Molecular consequence: nonsense.
Genome position (GRCh38, 1-based): chr17:68,401,408, C>T. VCF-style: chr17-68401408-C-T. GRCh37 (hg19) VCF-style: chr17-66397549-C-T.
Other names: c.1261C>T, p.Gln421Ter (NM_001352899.2, NM_001352900.2, NM_001352901.2 and 3 more transcripts); c.1258C>T, p.Gln420Ter (NM_001352903.2, NM_001352904.2, NM_001352905.2 and 2 more transcripts); c.1213C>T, p.Gln405Ter (NM_001352909.2); short protein forms Q405*, Q421*, Q420*.
Identifiers: ClinVar variation 4729766 (VCV004729766.1).

ClinVar aggregate classification (germline): Pathogenic (1 of 4 stars; one submission).

gnomAD v4.1: 1 of 1,614,082 alleles (0.000062%); highest among the groups gnomAD compares: East Asian, 0.0022%; no homozygotes.

Submission:

Labcorp Genetics (formerly Invitae), Labcorp
Classification: Pathogenic. Last evaluated: 2025-10-23. Review status: criteria provided, single submitter. Criteria: Invitae Variant Classification Sherloc (09022015). Collection method: clinical testing. Allele origin: germline.
Comment: This sequence change creates a premature translational stop signal (p.Gln421*) in the ARSG gene. While this is not anticipated to result in nonsense mediated decay, it is expected to disrupt the last 105 amino acid(s) of the ARSG protein. This variant is not present in population databases (gnomAD no frequency). This variant has not been reported in the literature in individuals affected with ARSG-related conditions. This variant disrupts a region of the ARSG protein in which other variant(s) (p.Ser443Alafs*12) have been determined to be pathogenic (PMID: 33300174). This suggests that this is a clinically significant region of the protein, and that variants that disrupt it are likely to be disease-causing. For these reasons, this variant has been classified as Pathogenic.

Literature cited by the submitters: PubMed 33300174.